The following is an entry in ClinVar:

NM_199355.4(ADAMTS18):c.2484G>A (p.Pro828=)

Gene: ADAMTS18 (ADAM metallopeptidase with thrombospondin type 1 motif 18; minus strand). Cytogenetic location: 16q23.1.
Variant type: single nucleotide variant.
Coding change: c.2484G>A on transcript NM_199355.4 (MANE Select); coding-DNA position 2484, G replaced by A.
Protein change: p.Pro828=; no amino-acid change (proline 828 retained).
Molecular consequence: synonymous variant.
Genome position (GRCh38, 1-based): chr16:77,319,897, C>T on the plus strand (G>A on the coding strand, the complement: ADAMTS18 is on the minus strand). VCF-style: chr16-77319897-C-T. GRCh37 (hg19) VCF-style: chr16-77353794-C-T.
Other names: c.1968G>A, p.Pro656= (NM_001326358.2).
Identifiers: ClinVar variation 740311 (VCV000740311.18), dbSNP rs144947524, ClinGen allele CA8180892.
Genomic context (GRCh38, chr16:77,319,897, plus strand): 5'-GAAGGGGCTTACTTCAAAGACCAGCGTCTCATTTGTGGGCCCTGGCGCGTACAGACGTTC[C>T]GGGCGGTTGAAAGAGCGCTGGTATTCAAACGTGGTCCCAGCGAAGGGGAACTCCCCAGGC-3'
Protein context (NP_955387.1, residues 818-838): TFEYQRSFNR[Pro828=]ERLYAPGPTN

ClinVar aggregate classification (germline): Benign/Likely benign. Review status: criteria provided, multiple submitters, no conflicts (2 of 4 stars). 4 submissions from 4 submitters: Benign (2); Likely benign (2). Last evaluated 2026-03-01.

Allele frequency attached by ClinVar (database versions not stated): gnomAD 0.00026 and 0.00042; TOPMed 0.00032; ESP Exome Variant Server 0.00046; gnomAD exomes 0.00066 and 0.00074; ExAC 0.00085; 1000 Genomes Project 0.00140; 1000 Genomes Project 30x 0.00141.
gnomAD v4.1: 1,036 of 1,614,086 alleles (0.064%); highest among the groups gnomAD compares: South Asian, 0.38%; 5 homozygotes.

Submissions (5):

CeGaT Center for Human Genetics Tuebingen
Classification: Likely benign. Last evaluated: 2026-03-01. Review status: criteria provided, single submitter. Criteria: CeGaT Center For Human Genetics Tuebingen Variant Classification Criteria Version 2. Collection method: clinical testing. Allele origin: germline. Affected: yes. Observed: 1 variant allele.
Comment: ADAMTS18: BP4, BP7

Labcorp Genetics (formerly Invitae), Labcorp
Classification: Benign. Last evaluated: 2026-01-07. Review status: criteria provided, single submitter. Criteria: Invitae Variant Classification Sherloc (09022015). Collection method: clinical testing. Allele origin: germline.

Blueprint Genetics
Classification: Likely benign. Last evaluated: 2024-11-06. Review status: criteria provided, single submitter. Criteria: ACMG Guidelines, 2015. Collection method: clinical testing. Allele origin: germline.

Breakthrough Genomics
Classification: Benign. Review status: criteria provided, single submitter. Criteria: ACMG Guidelines, 2015. Collection method: not provided. Allele origin: germline. Inheritance: Autosomal recessive inheritance. Affected: yes.

Dr. Peter K. Rogan Lab, Western University
No classification provided (evidence only). Condition: Gastric cancer. Review status: no classification provided. Collection method: in vitro. Allele origin: not applicable. Functional consequence: retained intron. Not counted in ClinVar's aggregate classification.